The following is an entry in ClinVar:

NM_000238.4(KCNH2):c.222G>A (p.Thr74=)

Gene: KCNH2 (potassium voltage-gated channel subfamily H member 2; minus strand). Cytogenetic location: 7q36.1.
Variant type: single nucleotide variant.
Coding change: c.222G>A on transcript NM_000238.4 (MANE Select); coding-DNA position 222, G replaced by A.
Protein change: p.Thr74=; no amino-acid change (threonine 74 retained).
Molecular consequence: synonymous variant. On other transcripts: non-coding transcript variant (1).
Genome position (GRCh38, 1-based): chr7:150,974,796, C>T on the plus strand (G>A on the coding strand, the complement: KCNH2 is on the minus strand). VCF-style: chr7-150974796-C-T. GRCh37 (hg19) VCF-style: chr7-150671884-C-T.
Other names: c.45G>A, p.Thr15= (NM_001406755.1); c.222G>A, p.Thr74= (NM_172056.3).
Identifiers: ClinVar variation 1369824 (VCV001369824.5), dbSNP rs1243986727, ClinGen allele CA072424.

ClinVar aggregate classification (germline): Likely benign. Review status: criteria provided, multiple submitters, no conflicts (2 of 4 stars). 2 submissions from 2 submitters: Likely benign (2). Last evaluated 2023-12-18.

Conditions:
Long QT syndrome (LQTS). Identifiers: MedGen C0023976, MeSH D008133, MONDO:0002442. Disease mechanism: loss of function. Inheritance: Various modes of inheritance.

Allele frequency attached by ClinVar (database versions not stated): TOPMed below 0.00001; gnomAD 0.00001.
gnomAD v4.1: 2 of 1,604,430 alleles (0.00012%); highest among the groups gnomAD compares: Non-Finnish European, 0.00017%; no homozygotes.

Submissions (2):

All of Us Research Program, National Institutes of Health
Classification: Likely benign for Long QT syndrome. Last evaluated: 2023-12-18. Review status: criteria provided, single submitter. Criteria: ACMG Guidelines, 2015. Collection method: clinical testing. Allele origin: germline. Inheritance: Autosomal dominant inheritance. Observed: 1 variant allele, 1 heterozygote.
Comment: This study involves interpretation of variants in research participants for the purpose of population health screening. Participant phenotype was not available at the time of variant classification. Additional details can be found in publication PMID: 35346344, PMCID: PMC8962531

Labcorp Genetics (formerly Invitae), Labcorp
Classification: Likely benign for Long QT syndrome. Last evaluated: 2021-05-07. Review status: criteria provided, single submitter. Criteria: Invitae Variant Classification Sherloc (09022015). Collection method: clinical testing. Allele origin: germline.